The following is an entry in ClinVar:

NM_001321133.2(GOSR2):c.584-2806T>C

Genes: GOSR2 (golgi SNAP receptor complex member 2; plus strand), LRRC37A2 (leucine rich repeat containing 37 member A2). Cytogenetic location: 17q21.32.
Variant type: single nucleotide variant.
Coding change: c.584-2806T>C on transcript NM_001321133.2; 2806 bases into the intron before coding-DNA position 584, T replaced by C.
Molecular consequence: intron variant.
Genome position (GRCh38, 1-based): chr17:46,963,728, T>C. VCF-style: chr17-46963728-T-C. GRCh37 (hg19) VCF-style: chr17-45041094-T-C.
Identifiers: ClinVar variation 3255265 (VCV003255265.2), dbSNP rs11652318.

ClinVar aggregate classification (germline): Benign (1 of 4 stars; one submission).

Allele frequency attached by ClinVar (database versions not stated): gnomAD exomes 0.50000; 1000 Genomes Project 30x 0.43504; 1000 Genomes Project 0.43650; gnomAD 0.44522; TOPMed 0.43871; ExAC 0.50000.
gnomAD v4.1: 67,845 of 151,988 alleles (45%); highest among the groups gnomAD compares: South Asian, 52%; 15,379 homozygotes.

Submission:

Unidad de Genómica Garrahan, Hospital de Pediatría Garrahan
Classification: Benign. Last evaluated: 2024-07-15. Review status: criteria provided, single submitter. Criteria: ACMG Guidelines, 2015. Collection method: clinical testing. Allele origin: germline. Affected: no. Observed: 54 variant alleles.
Comment: This variant is classified as Benign based on local population frequency. This variant was detected in 58% of patients studied in a panel designed for Epileptic and Developmental Encephalopathy and Progressive Myoclonus Epilepsy. Number of patients: 54. Only high quality variants are reported.